The following is an entry in ClinVar:

ClinVar aggregate classification (germline): Uncertain significance (1 of 4 stars; one submission).

gnomAD v4.1: 2 of 1,614,162 alleles (0.00012%); highest among the groups gnomAD compares: Non-Finnish European, 0.00017%; no homozygotes.

Submission:

Laboratory for Molecular Medicine, Mass General Brigham Personalized Medicine
Classification: Uncertain significance. Last evaluated: 2015-04-01. Review status: criteria provided, single submitter. Criteria: LMM Criteria. Collection method: clinical testing. Allele origin: germline. Observed: 1 variant allele.
Comment: The p.Met790Val variant in MYH6 has not been previously reported in individuals with cardiomyopathy or in large population studies. Computational prediction too ls and conservation analyses suggest that this variant may not impact the protei n, though this information is not predictive enough to rule out pathogenicity. I n summary, the clinical significance of the p.Met790Val variant is uncertain.

NM_002471.4(MYH6):c.2368A>G (p.Met790Val)

Gene: MYH6 (myosin heavy chain 6; minus strand). Cytogenetic location: 14q11.2.
Variant type: single nucleotide variant.
Coding change: c.2368A>G on transcript NM_002471.4 (MANE Select); coding-DNA position 2368, A replaced by G.
Protein change: p.Met790Val; replaces methionine 790 with valine.
Molecular consequence: missense variant.
Genome position (GRCh38, 1-based): chr14:23,396,345, T>C on the plus strand (A>G on the coding strand, the complement: MYH6 is on the minus strand). VCF-style: chr14-23396345-T-C. GRCh37 (hg19) VCF-style: chr14-23865554-T-C.
Other names: short protein forms M790V.
Identifiers: ClinVar variation 228880 (VCV000228880.4), dbSNP rs764284030, ClinGen allele CA10576947.